The following is an entry in ClinVar:

ClinVar aggregate classification (germline): Uncertain significance (1 of 4 stars; one submission).

Conditions:
PKD1-related disorder. Also called: PKD1-related condition.

Submission:

PreventionGenetics, part of Exact Sciences
Classification: Uncertain significance for PKD1-related condition. Last evaluated: 2026-06-07. Review status: criteria provided, single submitter. Criteria: ACMG Guidelines, 2015. Collection method: clinical testing. Allele origin: germline.
Comment: The PKD1 c.8129C>T variant is predicted to result in the amino acid substitution p.Thr2710Ile. To our knowledge, this variant has not been reported in the literature or in a large population database (gnomAD), indicating this variant is rare. Of note a different variant impacting the same amino acid (p.Thr2710Asn) has been documented in an individual from a cystic kidney disease cohort (Table S2 in Nielsen et al. 2021. PubMed ID: 33639313). At this time, the clinical significance of the c.8129C>T (p.Thr2710Ile) variant is uncertain due to the absence of conclusive functional and genetic evidence.

NM_001009944.3(PKD1):c.8129C>T (p.Thr2710Ile)

Gene: PKD1 (polycystin 1, transient receptor potential channel interacting; minus strand). Cytogenetic location: 16p13.3.
Variant type: single nucleotide variant.
Coding change: c.8129C>T on transcript NM_001009944.3 (MANE Select); coding-DNA position 8129, C replaced by T.
Protein change: p.Thr2710Ile; replaces threonine 2710 with isoleucine.
Molecular consequence: missense variant.
Genome position (GRCh38, 1-based): chr16:2,104,530, G>A on the plus strand (C>T on the coding strand, the complement: PKD1 is on the minus strand). VCF-style: chr16-2104530-G-A. GRCh37 (hg19) VCF-style: chr16-2154531-G-A.
Other names: c.8129C>T, p.Thr2710Ile (NM_000296.4); short protein forms T2710I.
Identifiers: ClinVar variation 4994359 (VCV004994359.1).